The following is an entry in ClinVar:

NM_020461.4(TUBGCP6):c.5390G>A (p.Arg1797His)

Gene: TUBGCP6 (tubulin gamma complex component 6; minus strand). Cytogenetic location: 22q13.33.
Variant type: single nucleotide variant.
Coding change: c.5390G>A on transcript NM_020461.4 (MANE Select); coding-DNA position 5390, G replaced by A.
Protein change: p.Arg1797His; replaces arginine 1797 with histidine.
Molecular consequence: missense variant.
Genome position (GRCh38, 1-based): chr22:50,217,806, C>T on the plus strand (G>A on the coding strand, the complement: TUBGCP6 is on the minus strand). VCF-style: chr22-50217806-C-T. GRCh37 (hg19) VCF-style: chr22-50656235-C-T.
Other names: short protein forms R1797H.
Identifiers: ClinVar variation 854127 (VCV000854127.7), dbSNP rs779389082, ClinGen allele CA10307017.

ClinVar aggregate classification (germline): Uncertain significance (1 of 4 stars; one submission).

Allele frequency attached by ClinVar (database versions not stated): ExAC 0.00005; TOPMed 0.00005; gnomAD exomes 0.00003.
gnomAD v4.1: 84 of 1,613,822 alleles (0.0052%); highest among the groups gnomAD compares: East Asian, 0.013%; 1 homozygote.

Submission:

Labcorp Genetics (formerly Invitae), Labcorp
Classification: Uncertain significance. Last evaluated: 2022-08-05. Review status: criteria provided, single submitter. Criteria: Invitae Variant Classification Sherloc (09022015). Collection method: clinical testing. Allele origin: germline.
Comment: This sequence change replaces arginine, which is basic and polar, with histidine, which is basic and polar, at codon 1797 of the TUBGCP6 protein (p.Arg1797His). This variant is present in population databases (rs779389082, gnomAD 0.01%). This variant has not been reported in the literature in individuals affected with TUBGCP6-related conditions. ClinVar contains an entry for this variant (Variation ID: 854127). Algorithms developed to predict the effect of missense changes on protein structure and function are either unavailable or do not agree on the potential impact of this missense change (SIFT: "Deleterious"; PolyPhen-2: "Probably Damaging"; Align-GVGD: "Class C0"). In summary, the available evidence is currently insufficient to determine the role of this variant in disease. Therefore, it has been classified as a Variant of Uncertain Significance.